The following is an entry in ClinVar:

NM_177438.3(DICER1):c.2756C>T (p.Pro919Leu)

Gene: DICER1 (dicer 1, ribonuclease III; minus strand). Cytogenetic location: 14q32.13.
Variant type: single nucleotide variant.
Coding change: c.2756C>T on transcript NM_177438.3 (MANE Select); coding-DNA position 2756, C replaced by T.
Protein change: p.Pro919Leu; replaces proline 919 with leucine.
Molecular consequence: missense variant.
Genome position (GRCh38, 1-based): chr14:95,107,656, G>A on the plus strand (C>T on the coding strand, the complement: DICER1 is on the minus strand). VCF-style: chr14-95107656-G-A. GRCh37 (hg19) VCF-style: chr14-95573993-G-A.
Other names: c.2756C>T, p.Pro919Leu (NM_001195573.1, NM_001271282.3, NM_001291628.2 and 1 more transcripts); short protein forms P919L.
Identifiers: ClinVar variation 664327 (VCV000664327.10), dbSNP rs1595378895, ClinGen allele CA390879508.

ClinVar aggregate classification (germline): Uncertain significance (1 of 4 stars; one submission).

Conditions:
DICER1-related tumor predisposition. Also called: DICER1 syndrome; DICER1-related pleuropulmonary blastoma cancer predisposition syndrome. Identifiers: Orphanet 284343, MedGen C3839822, MONDO:0100216.

Allele frequency attached by ClinVar (database versions not stated): gnomAD exomes below 0.00001.

Submission:

Labcorp Genetics (formerly Invitae), Labcorp
Classification: Uncertain significance for DICER1-related tumor predisposition. Last evaluated: 2020-02-29. Review status: criteria provided, single submitter. Criteria: Invitae Variant Classification Sherloc (09022015). Collection method: clinical testing. Allele origin: germline.
Comment: This variant is not present in population databases (ExAC no frequency). This sequence change replaces proline with leucine at codon 919 of the DICER1 protein (p.Pro919Leu). The proline residue is highly conserved and there is a moderate physicochemical difference between proline and leucine. This variant has not been reported in the literature in individuals with DICER1-related disease. In summary, the available evidence is currently insufficient to determine the role of this variant in disease. Therefore, it has been classified as a Variant of Uncertain Significance. Algorithms developed to predict the effect of missense changes on protein structure and function are either unavailable or do not agree on the potential impact of this missense change (SIFT: "Deleterious"; PolyPhen-2: "Probably Damaging"; Align-GVGD: "Class C0").